The following is an entry in ClinVar:

NM_002900.3(RBP3):c.3631G>A (p.Val1211Met)

Gene: RBP3 (retinol binding protein 3; plus strand). Cytogenetic location: 10q11.22.
Variant type: single nucleotide variant.
Coding change: c.3631G>A on transcript NM_002900.3 (MANE Select); coding-DNA position 3631, G replaced by A.
Protein change: p.Val1211Met; replaces valine 1211 with methionine.
Molecular consequence: missense variant.
Genome position (GRCh38, 1-based): chr10:47,357,344, G>A. VCF-style: chr10-47357344-G-A. GRCh37 (hg19) VCF-style: chr10-48382018-C-T.
Other names: short protein forms V1211M.
Identifiers: ClinVar variation 1970474 (VCV001970474.5), dbSNP rs1202037718, ClinGen allele CA376677735.

ClinVar aggregate classification (germline): Uncertain significance (1 of 4 stars; one submission).

Submission:

Labcorp Genetics (formerly Invitae), Labcorp
Classification: Uncertain significance. Last evaluated: 2022-08-13. Review status: criteria provided, single submitter. Criteria: Invitae Variant Classification Sherloc (09022015). Collection method: clinical testing. Allele origin: germline.
Comment: In summary, the available evidence is currently insufficient to determine the role of this variant in disease. Therefore, it has been classified as a Variant of Uncertain Significance. Algorithms developed to predict the effect of missense changes on protein structure and function are either unavailable or do not agree on the potential impact of this missense change (SIFT: "Deleterious"; PolyPhen-2: "Possibly Damaging"; Align-GVGD: "Class C0"). This variant has not been reported in the literature in individuals affected with RBP3-related conditions. This variant is not present in population databases (gnomAD no frequency). This sequence change replaces valine, which is neutral and non-polar, with methionine, which is neutral and non-polar, at codon 1211 of the RBP3 protein (p.Val1211Met).